The following is an entry in ClinVar:

ClinVar aggregate classification (germline): Uncertain significance (1 of 4 stars; one submission).

Conditions:
TTN-related disorder. Also called: TTN-related condition; TTN-related disease; TTN-related disorders.

Submission:

PreventionGenetics, part of Exact Sciences
Classification: Uncertain significance for TTN-related condition. Last evaluated: 2026-02-19. Review status: criteria provided, single submitter. Criteria: ACMG Guidelines, 2015. Collection method: clinical testing. Allele origin: germline.
Comment: The TTN c.36865C>T variant is predicted to result in the amino acid substitution p.Arg12289Cys. To our knowledge, this variant has not been reported in the literature. This variant is reported in 0.013% of alleles in individuals of East Asian descent in gnomAD. At this time, the clinical significance of this variant is uncertain due to the absence of conclusive functional and genetic evidence.

NM_001267550.2(TTN):c.36865C>T (p.Arg12289Cys)

Gene: TTN (titin; minus strand). Cytogenetic location: 2q31.2.
Variant type: single nucleotide variant.
Coding change: c.36865C>T on transcript NM_001267550.2 (MANE Select); coding-DNA position 36865, C replaced by T.
Protein change: p.Arg12289Cys; replaces arginine 12289 with cysteine.
Molecular consequence: missense variant. On other transcripts: intron variant (5).
Genome position (GRCh38, 1-based): chr2:178,662,738, G>A on the plus strand (C>T on the coding strand, the complement: TTN is on the minus strand). VCF-style: chr2-178662738-G-A. GRCh37 (hg19) VCF-style: chr2-179527465-G-A.
Other names: c.13283-20421C>T (NM_003319.4); c.13859-20421C>T (NM_133437.4); c.13658-20421C>T (NM_133432.3); c.31573+228C>T (NM_133378.4); c.34354+228C>T (NM_001256850.1); short protein forms R12289C.
Identifiers: ClinVar variation 4977130 (VCV004977130.1).